The following is an entry in ClinVar:

ClinVar aggregate classification (germline): Uncertain significance (1 of 4 stars; one submission).

Conditions:
Andersen Tawil syndrome (LQT7). Also called: ANDERSEN CARDIODYSRHYTHMIC PERIODIC PARALYSIS; LONG QT SYNDROME 7; PERIODIC PARALYSIS, POTASSIUM-SENSITIVE CARDIODYSRHYTHMIC TYPE; Andersen Syndrome; Potassium-sensitive periodic paralysis, ventricular ectopy, and dysmorphic features. Identifiers: Orphanet 37553, MedGen C1563715, MONDO:0008222, OMIM 170390.
Short QT syndrome type 3. Identifiers: Orphanet 51083, MedGen C1865018, MONDO:0012314, OMIM 609622.

Submission:

Labcorp Genetics (formerly Invitae), Labcorp
Classification: Uncertain significance for Short QT syndrome type 3; Andersen Tawil syndrome. Last evaluated: 2023-04-23. Review status: criteria provided, single submitter. Criteria: Invitae Variant Classification Sherloc (09022015). Collection method: clinical testing. Allele origin: germline.
Comment: This sequence change replaces glycine, which is neutral and non-polar, with arginine, which is basic and polar, at codon 18 of the KCNJ2 protein (p.Gly18Arg). This variant is not present in population databases (gnomAD no frequency). This variant has not been reported in the literature in individuals affected with KCNJ2-related conditions. An algorithm developed to predict the effect of missense changes on protein structure and function (PolyPhen-2) suggests that this variant is likely to be tolerated. In summary, the available evidence is currently insufficient to determine the role of this variant in disease. Therefore, it has been classified as a Variant of Uncertain Significance.

NM_000891.3(KCNJ2):c.52G>C (p.Gly18Arg)

Gene: KCNJ2 (potassium inwardly rectifying channel subfamily J member 2; plus strand). Cytogenetic location: 17q24.3.
Variant type: single nucleotide variant.
Coding change: c.52G>C on transcript NM_000891.3 (MANE Select); coding-DNA position 52, G replaced by C.
Protein change: p.Gly18Arg; replaces glycine 18 with arginine.
Molecular consequence: missense variant.
Genome position (GRCh38, 1-based): chr17:70,175,091, G>C. VCF-style: chr17-70175091-G-C. GRCh37 (hg19) VCF-style: chr17-68171232-G-C.
Other names: short protein forms G18R.
Identifiers: ClinVar variation 2932834 (VCV002932834.3), dbSNP rs947488726, ClinGen allele CA400859751.